The following is an entry in ClinVar:

NM_005826.5(HNRNPR):c.1328C>A (p.Pro443Gln)

Gene: HNRNPR (heterogeneous nuclear ribonucleoprotein R; minus strand). Cytogenetic location: 1p36.12.
Variant type: single nucleotide variant.
Coding change: c.1328C>A on transcript NM_005826.5 (MANE Select); coding-DNA position 1328, C replaced by A.
Protein change: p.Pro443Gln; replaces proline 443 with glutamine.
Molecular consequence: missense variant.
Genome position (GRCh38, 1-based): chr1:23,311,028, G>T on the plus strand (C>A on the coding strand, the complement: HNRNPR is on the minus strand). VCF-style: chr1-23311028-G-T. GRCh37 (hg19) VCF-style: chr1-23637521-G-T.
Other names: c.1025C>A, p.Pro342Gln (NM_001102397.3); c.1337C>A, p.Pro446Gln (NM_001102398.3); c.1034C>A, p.Pro345Gln (NM_001102399.3); c.1214C>A, p.Pro405Gln (NM_001297620.2); c.848C>A, p.Pro283Gln (NM_001297621.2); c.911C>A, p.Pro304Gln (NM_001297622.2); c.1151C>A, p.Pro384Gln (NM_001437727.1); c.1328C>A, p.Pro443Gln (NM_001438564.1); short protein forms P283Q, P304Q, P342Q, P345Q, P384Q, P405Q, P443Q, P446Q.
Identifiers: ClinVar variation 4976184 (VCV004976184.1).

ClinVar aggregate classification (germline): Uncertain significance (1 of 4 stars; one submission).

Submission:

GeneDx
Classification: Uncertain significance. Last evaluated: 2026-02-04. Review status: criteria provided, single submitter. Criteria: GeneDx Variant Classification Process June 2021. Collection method: clinical testing. Allele origin: germline.
Comment: Not observed at significant frequency in large population cohorts (gnomAD); In silico analysis supports that this missense variant has a deleterious effect on protein structure/function; Has not been previously published as pathogenic or benign to our knowledge